The following is an entry in ClinVar:

ClinVar aggregate classification (germline): Uncertain significance (1 of 4 stars; one submission).

Conditions:
LAMA2-related muscular dystrophy (LAMA2-RD). Also called: Laminin alpha 2-related dystrophy. Identifiers: MedGen C5679788, MONDO:0100228.

Submission:

Labcorp Genetics (formerly Invitae), Labcorp
Classification: Uncertain significance for LAMA2-related muscular dystrophy. Last evaluated: 2022-09-26. Review status: criteria provided, single submitter. Criteria: Invitae Variant Classification Sherloc (09022015). Collection method: clinical testing. Allele origin: germline.
Comment: This sequence change replaces glutamic acid, which is acidic and polar, with lysine, which is basic and polar, at codon 640 of the LAMA2 protein (p.Glu640Lys). This variant is not present in population databases (gnomAD no frequency). This variant has not been reported in the literature in individuals affected with LAMA2-related conditions. ClinVar contains an entry for this variant (Variation ID: 1354211). Advanced modeling of protein sequence and biophysical properties (such as structural, functional, and spatial information, amino acid conservation, physicochemical variation, residue mobility, and thermodynamic stability) performed at Invitae indicates that this missense variant is not expected to disrupt LAMA2 protein function. In summary, the available evidence is currently insufficient to determine the role of this variant in disease. Therefore, it has been classified as a Variant of Uncertain Significance.

NM_000426.4(LAMA2):c.1918G>A (p.Glu640Lys)

Gene: LAMA2 (laminin subunit alpha 2; plus strand). Cytogenetic location: 6q22.33.
Variant type: single nucleotide variant.
Coding change: c.1918G>A on transcript NM_000426.4 (MANE Select); coding-DNA position 1918, G replaced by A.
Protein change: p.Glu640Lys; replaces glutamic acid 640 with lysine.
Molecular consequence: missense variant.
Genome position (GRCh38, 1-based): chr6:129,252,117, G>A. VCF-style: chr6-129252117-G-A. GRCh37 (hg19) VCF-style: chr6-129573262-G-A.
Other names: c.1918G>A, p.Glu640Lys (NM_001079823.2); short protein forms E640K.
Identifiers: ClinVar variation 1354211 (VCV001354211.5), dbSNP rs1786298296, ClinGen allele CA365610208.